The following is an entry in ClinVar:

ClinVar aggregate classification (germline): Uncertain significance (1 of 4 stars; one submission).

Conditions:
Hereditary sensory neuropathy-deafness-dementia syndrome. Also called: NEUROPATHY, HEREDITARY SENSORY, WITH HEARING LOSS AND DEMENTIA; Hereditary sensory neuropathy type IE; HSN IE; Hereditary Sensory and Autonomic Neuropathy Type 1E (HSAN1E). Identifiers: Orphanet 456318, MedGen C3279885, MONDO:0013584, OMIM 614116.

Allele frequency attached by ClinVar (database versions not stated): gnomAD below 0.00001 and 0.00001; TOPMed below 0.00001; ExAC 0.00001; gnomAD exomes 0.00002.
gnomAD v4.1: 12 of 1,613,874 alleles (0.00074%); highest among the groups gnomAD compares: Middle Eastern, 0.033%; no homozygotes.

Submission:

Labcorp Genetics (formerly Invitae), Labcorp
Classification: Uncertain significance for Hereditary sensory neuropathy-deafness-dementia syndrome. Last evaluated: 2024-10-15. Review status: criteria provided, single submitter. Criteria: Invitae Variant Classification Sherloc (09022015). Collection method: clinical testing. Allele origin: germline.
Comment: This sequence change replaces threonine, which is neutral and polar, with methionine, which is neutral and non-polar, at codon 963 of the DNMT1 protein (p.Thr963Met). This variant is present in population databases (rs754990148, gnomAD 0.004%). This variant has not been reported in the literature in individuals affected with DNMT1-related conditions. ClinVar contains an entry for this variant (Variation ID: 663714). Invitae Evidence Modeling of protein sequence and biophysical properties (such as structural, functional, and spatial information, amino acid conservation, physicochemical variation, residue mobility, and thermodynamic stability) indicates that this missense variant is not expected to disrupt DNMT1 protein function with a negative predictive value of 80%. In summary, the available evidence is currently insufficient to determine the role of this variant in disease. Therefore, it has been classified as a Variant of Uncertain Significance.

NM_001130823.3(DNMT1):c.2888C>T (p.Thr963Met)

Gene: DNMT1 (DNA methyltransferase 1; minus strand). Cytogenetic location: 19p13.2.
Variant type: single nucleotide variant.
Coding change: c.2888C>T on transcript NM_001130823.3 (MANE Select); coding-DNA position 2888, C replaced by T.
Protein change: p.Thr963Met; replaces threonine 963 with methionine.
Molecular consequence: missense variant.
Genome position (GRCh38, 1-based): chr19:10,146,357, G>A on the plus strand (C>T on the coding strand, the complement: DNMT1 is on the minus strand). VCF-style: chr19-10146357-G-A. GRCh37 (hg19) VCF-style: chr19-10257033-G-A.
Other names: c.2888C>T (LRG_362t1); c.2840C>T, p.Thr947Met (NM_001318730.2, NM_001379.4); c.2525C>T, p.Thr842Met (NM_001318731.2); short protein forms T947M, T842M, T963M.
Identifiers: ClinVar variation 663714 (VCV000663714.8), dbSNP rs754990148, ClinGen allele CA9187920.